The following is an entry in ClinVar:

ClinVar aggregate classification (germline): Benign/Likely benign. Review status: criteria provided, multiple submitters, no conflicts (2 of 4 stars). 6 submissions from 6 submitters: Benign (1); Likely benign (5). Last evaluated 2025-12-29.

Conditions:
Melanoma, uveal, susceptibility to, 2 (UVM2). Also called: Melanoma, uveal 2. Identifiers: Orphanet 39044, MedGen C1847723, MONDO:0011696, OMIM 606661.
Hereditary cancer-predisposing syndrome. Also called: Hereditary Cancer Syndrome; Neoplastic Syndromes, Hereditary; Tumor predisposition; Hereditary neoplastic syndrome. Identifiers: Orphanet 140162, MedGen C0027672, MeSH D009386, MONDO:0015356.
BAP1-related tumor predisposition syndrome (TPDS1). Also called: Tumor susceptibility linked to germline BAP1 mutations; BAP1 tumor predisposition syndrome; COMMON Syndrome; TUMOR PREDISPOSITION SYNDROME 1. Identifiers: Orphanet 289539, MedGen C3280492, MONDO:0013692, OMIM 614327.

Allele frequency attached by ClinVar (database versions not stated): gnomAD exomes 0.00002 and 0.00001; ExAC 0.00004; ESP Exome Variant Server 0.00008; gnomAD 0.00001; TOPMed 0.00001.
gnomAD v4.1: 11 of 1,613,852 alleles (0.00068%); highest among the groups gnomAD compares: South Asian, 0.0055%; no homozygotes.

Submissions (6):

Center for Genomic Medicine, Rigshospitalet, Copenhagen University Hospital
Classification: Likely benign. Last evaluated: 2025-12-29. Review status: criteria provided, single submitter. Criteria: ACMG Guidelines, 2015. Collection method: clinical testing. Allele origin: germline.

Labcorp Genetics (formerly Invitae), Labcorp
Classification: Likely benign for BAP1-related tumor predisposition syndrome. Last evaluated: 2025-12-08. Review status: criteria provided, single submitter. Criteria: Invitae Variant Classification Sherloc (09022015). Collection method: clinical testing. Allele origin: germline.

Myriad Genetics, Inc.
Classification: Benign for BAP1-related tumor predisposition syndrome. Last evaluated: 2024-07-16. Review status: criteria provided, single submitter. Criteria: Myriad Autosomal Dominant, Autosomal Recessive and X-Linked Classification Criteria (2023). Collection method: clinical testing. Allele origin: unknown.
Comment: This variant is considered benign. This variant is a silent/synonymous amino acid change and it is not expected to impact splicing.

KCCC/NGS Laboratory, Kuwait Cancer Control Center
Classification: Likely benign for Melanoma, uveal, susceptibility to, 2. Last evaluated: 2023-07-07. Review status: criteria provided, single submitter. Criteria: ACMG Guidelines, 2015. Collection method: clinical testing. Allele origin: germline. Affected: yes.

Ambry Genetics
Classification: Likely benign for Hereditary cancer-predisposing syndrome. Last evaluated: 2020-10-29. Review status: criteria provided, single submitter. Criteria: Ambry Variant Classification Scheme 2023. Collection method: clinical testing. Allele origin: germline.

Color Diagnostics, LLC DBA Color Health
Classification: Likely benign for Hereditary cancer-predisposing syndrome. Last evaluated: 2017-01-04. Review status: criteria provided, single submitter. Criteria: ACMG Guidelines, 2015. Collection method: clinical testing. Allele origin: germline.

NM_004656.4(BAP1):c.1515G>A (p.Ser505=)

Gene: BAP1 (BRCA1 associated deubiquitinase 1; minus strand). Cytogenetic location: 3p21.1.
Variant type: single nucleotide variant.
Coding change: c.1515G>A on transcript NM_004656.4 (MANE Select); coding-DNA position 1515, G replaced by A.
Protein change: p.Ser505=; no amino-acid change (serine 505 retained).
Molecular consequence: synonymous variant.
Genome position (GRCh38, 1-based): chr3:52,403,630, C>T on the plus strand (G>A on the coding strand, the complement: BAP1 is on the minus strand). VCF-style: chr3-52403630-C-T. GRCh37 (hg19) VCF-style: chr3-52437646-C-T.
Identifiers: ClinVar variation 490795 (VCV000490795.17), dbSNP rs374099588, ClinGen allele CA2436789.